The following is an entry in ClinVar:

ClinVar aggregate classification (germline): Likely pathogenic (1 of 4 stars; one submission).

Conditions:
Dilated cardiomyopathy 1G (CMD1G). Identifiers: Orphanet 154, MedGen C1858763, MONDO:0011400, OMIM 604145.

Submission:

3billion
Classification: Likely pathogenic for Dilated cardiomyopathy 1G. Last evaluated: 2025-01-06. Review status: criteria provided, single submitter. Criteria: ACMG Guidelines, 2015. Collection method: clinical testing. Allele origin: germline. Affected: yes.
Comment: The variant is not observed in the gnomAD v4.1.0 dataset. Predicted Consequence/Location: Frameshift: predicted to result in a loss or disruption of normal protein function through nonsense-mediated decay (NMD) or protein truncation. Multiple pathogenic variants are reported downstream of the variant. Therefore, this variant is classified as Likely pathogenic according to the recommendation of ACMG/AMP guideline.

NM_001267550.2(TTN):c.97227del (p.Ile32409fs)

Genes: TTN (titin; minus strand), TTN-AS1 (TTN antisense RNA 1; plus strand). Cytogenetic location: 2q31.2.
Variant type: Deletion.
Coding change: c.97227del on transcript NM_001267550.2 (MANE Select); coding-DNA position 97227, one base deleted (T; older notation c.97227delT).
Protein change: p.Ile32409fs; shifts the reading frame from isoleucine 32409.
Molecular consequence: frameshift variant.
Genome position (GRCh38, 1-based): chr2:178,542,529, A deleted on the plus strand (T on the coding strand, the reverse complement: TTN is on the minus strand); the first of 2 consecutive A bases (chr2:178,542,529-178,542,530); deleting either gives the same sequence. VCF-style (leftmost placement, unchanged base first): chr2-178542528-CA-C. GRCh37 (hg19) VCF-style: chr2-179407255-CA-C.
Other names: c.92304del, p.Ile30768fs (NM_001256850.1); c.70032del, p.Ile23344fs (NM_003319.4); c.89523del, p.Ile29841fs (NM_133378.4); c.70407del, p.Ile23469fs (NM_133432.3); c.70608del, p.Ile23536fs (NM_133437.4); short protein forms I23344fs, I23469fs, I23536fs, I29841fs, I30768fs, I32409fs.
Identifiers: ClinVar variation 4291801 (VCV004291801.1).